The following is an entry in ClinVar:

NM_002907.4(RECQL):c.1188A>C (p.Glu396Asp)

Gene: RECQL (RecQ like helicase; minus strand). Cytogenetic location: 12p12.1.
Variant type: single nucleotide variant.
Coding change: c.1188A>C on transcript NM_002907.4 (MANE Select); coding-DNA position 1188, A replaced by C.
Protein change: p.Glu396Asp; replaces glutamic acid 396 with aspartic acid.
Molecular consequence: missense variant.
Genome position (GRCh38, 1-based): chr12:21,475,496, T>G on the plus strand (A>C on the coding strand, the complement: RECQL is on the minus strand). VCF-style: chr12-21475496-T-G. GRCh37 (hg19) VCF-style: chr12-21628430-T-G.
Other names: c.1188A>C, p.Glu396Asp (NM_032941.3); short protein forms E396D.
Identifiers: ClinVar variation 1743884 (VCV001743884.2), dbSNP rs2540344446, ClinGen allele CA384119372.
Genomic context (GRCh38, chr12:21,475,496, plus strand): 5'-AAAATTTACTTCTGGATTTGAGTCCTACATACCTGCACGTCCACTCTCTTGGTAATAATT[T>G]TCCATGGATTTACTCATTGAATGATGGATAACAAACCTCACATCTGGCTTATCAATTCCC-3'
Protein context (NP_002898.2, residues 386-406): VIHHSMSKSM[Glu396Asp]NYYQESGRAG

ClinVar aggregate classification (germline): Uncertain significance (1 of 4 stars; one submission).

Submission:

Ambry Genetics
Classification: Uncertain significance. Last evaluated: 2021-02-25. Review status: criteria provided, single submitter. Criteria: Ambry Variant Classification Scheme 2023. Collection method: clinical testing. Allele origin: germline.
Comment: The p.E396D variant (also known as c.1188A>C), located in coding exon 9 of the RECQL gene, results from an A to C substitution at nucleotide position 1188. The glutamic acid at codon 396 is replaced by aspartic acid, an amino acid with highly similar properties. This amino acid position is highly conserved in available vertebrate species. In addition, the in silico prediction for this alteration is inconclusive. Since supporting evidence is limited at this time, the clinical significance of this alteration remains unclear.